The following is an entry in ClinVar:

NM_182961.4(SYNE1):c.3175A>T (p.Lys1059Ter)

Gene: SYNE1 (spectrin repeat containing nuclear envelope protein 1; minus strand). Cytogenetic location: 6q25.2.
Variant type: single nucleotide variant.
Coding change: c.3175A>T on transcript NM_182961.4 (MANE Select); coding-DNA position 3175, A replaced by T.
Protein change: p.Lys1059Ter; replaces lysine 1059 with a stop codon.
Molecular consequence: nonsense.
Genome position (GRCh38, 1-based): chr6:152,451,058, T>A on the plus strand (A>T on the coding strand, the complement: SYNE1 is on the minus strand). VCF-style: chr6-152451058-T-A. GRCh37 (hg19) VCF-style: chr6-152772193-T-A.
Other names: c.3196A>T, p.Lys1066Ter (NM_033071.5); short protein forms K1059*, K1066*.
Identifiers: ClinVar variation 2585121 (VCV002585121.1), dbSNP rs2098644529, ClinGen allele CA366150037.

ClinVar aggregate classification (germline): Likely pathogenic (1 of 4 stars; one submission).

Conditions:
Emery-Dreifuss muscular dystrophy 4, autosomal dominant (EDMD4). Also called: EMERY-DREIFUSS MUSCULAR DYSTROPHY 4 WITH VARIABLE FEATURES. Identifiers: Orphanet 261, MedGen C2751807, MONDO:0013071, OMIM 612998.

Submission:

Neuberg Centre For Genomic Medicine, NCGM
Classification: Likely pathogenic for Emery-Dreifuss muscular dystrophy 4, autosomal dominant. Review status: criteria provided, single submitter. Criteria: ACMG Guidelines, 2015. Collection method: clinical testing. Allele origin: germline. Inheritance: Autosomal dominant inheritance. Affected: yes.
Comment: The stop gained c.3175A>T(p.Lys1059Ter) variant has not been reported previously as a pathogenic variant nor as a benign variant, to our knowledge. The c.3175A>T variant is novel (not in any individuals) in gnomAD Exomes and 1000 Genomes. The nucleotide change c.3175A>T in SYNE1 is predicted as conserved by GERP++ and PhyloP across 100 vertebrates. This variant is predicted to cause loss of normal protein function through protein truncation. Loss of function variants have been previously reported to be disease causing. For these reasons, this variant has been classified as Likely Pathogenic.